The following continues an entry in ClinVar:

NM_000218.3(KCNQ1):c.613G>A (p.Val205Met)

Gene: KCNQ1. ClinVar aggregate classification (germline): Pathogenic. Pathogenic (12).

Submissions 10 to 16 of 16:

Women's Health and Genetics/Laboratory Corporation of America, LabCorp
Classification: Pathogenic for Long QT syndrome. Last evaluated: 2018-07-31. Review status: criteria provided, single submitter. Criteria: LabCorp Variant Classification Summary - May 2015. Collection method: clinical testing. Allele origin: germline.
Comment: Variant summary: KCNQ1 c.613G>A (p.Val205Met) results in a conservative amino acid change located in the Ion transport domain (IPR005821) of the encoded protein sequence. Four of five in-silico tools predict a damaging effect of the variant on protein function. The variant allele was found at a frequency of 1.1e-05 in 276590 control chromosomes. c.613G>A has been reported in the literature in multiple heterozygous individuals of whom several were affected with Long QT syndrome, as well as in four homozygous patients presenting with a more severe cardiac phenotype, and occasionally with symptoms suggestive of Jervell and Lange-Nielsen syndrome (Jackson 2014). These data indicate that the variant is very likely to be associated with disease. At least one publication reports experimental evidence evaluating an impact on protein function (Arbour 2008). The most pronounced variant effect results in approximately 30%-50% of the normal channel activity. Three clinical diagnostic laboratories have submitted clinical-significance assessments for this variant to ClinVar after 2014 and all classified the variant as pathogenic. Based on the evidence outlined above, the variant was classified as pathogenic.

Laboratory for Molecular Medicine, Mass General Brigham Personalized Medicine
Classification: Pathogenic for Familial long QT syndrome. Last evaluated: 2017-08-07. Review status: criteria provided, single submitter. Criteria: LMM Criteria. Collection method: clinical testing. Allele origin: germline. Inheritance: Autosomal dominant inheritance. Observed: 1 variant allele.
Comment: The p.Val205Met variant in KCNQ1 has been reported in 2 individuals with long QT syndrome and segregated with disease in at least 10 affected relatives from bot h families (Arbour 2008). Additionally, four individuals have been reported to b e homozygous for this variant and present with a clinically more severe phenotyp e that did not include hearing loss (Jackson 2014). This variant has also been r eported by other clinical laboratories in ClinVar (variation ID: 3725) and has b een identified in 1/126300 European chromosomes by the Genome Aggregation Databa se (gnomAD; dbSNP rs151344631). In vitro func tional studies provide evidence that the p.Val205Met variant may impact protein function (Arbour 2008, Eldstrom 2010, Eldstrom 2015). In summary, this variant m eets criteria to be classified as pathogenic for long QT syndrome in an autosoma l dominant manner based upon segregation studies and functional evidence.

Juno Genomics, Hangzhou Juno Genomics, Inc
Classification: Pathogenic for Long QT syndrome 1; Atrial fibrillation, familial, 3; Jervell and Lange-Nielsen syndrome 1; Short QT syndrome type 2. Review status: criteria provided, single submitter. Criteria: ACMG Guidelines, 2015. Collection method: clinical testing. Allele origin: germline.
Comment: Absent from controls (or at extremely low frequency if recessive) in Genome Aggregation Database.;Multiple lines of computational evidence support a deleterious effect on the gene or gene product.;The prevalence of the variant in affected individuals is significantly increased compared to the prevalence in controls.;Patient's phenotype or family history is highly specific for a disease with a single genetic etiology.

CSER _CC_NCGL, University of Washington
Classification: Pathogenic for Long QT syndrome. Last evaluated: 2014-06-01. Review status: no assertion criteria provided. Collection method: research. Allele origin: germline. Inheritance: Autosomal dominant inheritance. Study: ESP 6500 variant annotation. Not counted in ClinVar's aggregate classification.
Comment: Variants classified for the Actionable exomic incidental findings in 6503 participants: challenges of variant classification manuscript

OMIM
Classification: Pathogenic for LONG QT SYNDROME 1. Last evaluated: 2008-07-01. Review status: no assertion criteria provided. Collection method: literature only. Allele origin: germline. Not counted in ClinVar's aggregate classification.

Cardiovascular Biomedical Research Unit, Royal Brompton & Harefield NHS Foundation Trust
No classification provided. Condition: Familial long QT syndrome. Review status: no classification provided. Collection method: literature only. Allele origin: germline. Not counted in ClinVar's aggregate classification.
Comment: This variant has been reported as associated with Long QT syndrome in the following publications (PMID:18580685;PMID:20421371;PMID:22378279). This is a literature report, and does not necessarily reflect the clinical interpretation of the Imperial College / Royal Brompton Cardiovascular Genetics laboratory.

Community Genetics, University of British Columbia
No classification provided. Review status: no classification provided. Collection method: not provided. Allele origin: germline. Not counted in ClinVar's aggregate classification.

Literature cited by the submitters: PubMed 18580685 (cited by 7 submitters); PubMed 23844633 (cited by 5 submitters); PubMed 26669661 (cited by 3 submitters); PubMed 27831900 (cited by Labcorp Genetics (formerly Invitae), Labcorp and Color Diagnostics, LLC DBA Color Health); PubMed 25444851 (cited by 4 submitters); PubMed 20421371 (cited by 3 submitters); PubMed 23631430 (cited by Color Diagnostics, LLC DBA Color Health and Women's Health and Genetics/Laboratory Corporation of America, LabCorp); PubMed 28264985 (cited by Color Diagnostics, LLC DBA Color Health and Ambry Genetics); PubMed 32009526 (cited by Color Diagnostics, LLC DBA Color Health and Ambry Genetics); PubMed 32893267 (cited by Color Diagnostics, LLC DBA Color Health); PubMed 29033053 (cited by Women's Health and Genetics/Laboratory Corporation of America, LabCorp); PubMed 22378279 (cited by Cardiovascular Biomedical Research Unit, Royal Brompton & Harefield NHS Foundation Trust); PubMed 22581653 (cited by Cardiovascular Biomedical Research Unit, Royal Brompton & Harefield NHS Foundation Trust).